The following is an entry in ClinVar:

NM_001081.4(CUBN):c.5304C>T (p.Ile1768=)

Gene: CUBN (cubilin; minus strand). Cytogenetic location: 10p13.
Variant type: single nucleotide variant.
Coding change: c.5304C>T on transcript NM_001081.4 (MANE Select); coding-DNA position 5304, C replaced by T.
Protein change: p.Ile1768=; no amino-acid change (isoleucine 1768 retained).
Molecular consequence: synonymous variant.
Genome position (GRCh38, 1-based): chr10:16,947,273, G>A on the plus strand (C>T on the coding strand, the complement: CUBN is on the minus strand). VCF-style: chr10-16947273-G-A. GRCh37 (hg19) VCF-style: chr10-16989272-G-A.
Other names: p.Ile1768=.
Identifiers: ClinVar variation 299465 (VCV000299465.32), dbSNP rs61841454, ClinGen allele CA5424061.

ClinVar aggregate classification (germline): Benign. Review status: criteria provided, multiple submitters, no conflicts (2 of 4 stars). 7 submissions from 7 submitters: Benign (7). Last evaluated 2026-02-01.

Conditions:
Imerslund-Grasbeck syndrome type 1 (IGS1). Also called: Megaloblastic anemia 1, Finnish type; MEGALOBLASTIC ANEMIA, 1; Imerslund-Gräsbeck syndrome 1. Identifiers: MedGen C4016819, MONDO:0100156, OMIM 261100.
Imerslund-Grasbeck syndrome. Also called: ENTEROCYTE COBALAMIN MALABSORPTION; ENTEROCYTE INTRINSIC FACTOR RECEPTOR, DEFECT OF; Imerslund-Gräsbeck syndrome; PERNICIOUS ANEMIA, JUVENILE, DUE TO SELECTIVE INTESTINAL MALABSORPTION OF VITAMIN B12, WITH PROTEINURIA; Megaloblastic anemia due to inborn errors of metabolism. Identifiers: Orphanet 35858, MedGen C4551825, MONDO:0009853.

Allele frequency attached by ClinVar (database versions not stated): 1000 Genomes Project 0.02915; 1000 Genomes Project 30x 0.02936; TOPMed 0.05200; gnomAD 0.05662 and 0.05795; ExAC 0.06090; ESP Exome Variant Server 0.06428.
gnomAD v4.1: 121,848 of 1,613,628 alleles (7.6%); highest among the groups gnomAD compares: Non-Finnish European, 8.8%; 5,318 homozygotes.

Submissions (7):

Labcorp Genetics (formerly Invitae), Labcorp
Classification: Benign for Imerslund-Grasbeck syndrome. Last evaluated: 2026-02-01. Review status: criteria provided, single submitter. Criteria: Invitae Variant Classification Sherloc (09022015). Collection method: clinical testing. Allele origin: germline.

ARUP Laboratories, Molecular Genetics and Genomics, ARUP Laboratories
Classification: Benign. Last evaluated: 2025-01-27. Review status: criteria provided, single submitter. Criteria: ARUP Molecular Germline Variant Investigation Process 2024. Collection method: clinical testing. Allele origin: germline.

Blueprint Genetics
Classification: Benign. Last evaluated: 2024-11-27. Review status: criteria provided, single submitter. Criteria: ACMG Guidelines, 2015. Collection method: clinical testing. Allele origin: germline.

Mayo Clinic Laboratories, Mayo Clinic
Classification: Benign. Last evaluated: 2022-03-09. Review status: criteria provided, single submitter. Criteria: ACMG Guidelines, 2015. Collection method: clinical testing. Allele origin: germline. Observed: 30 variant alleles.

GeneDx
Classification: Benign. Last evaluated: 2018-10-17. Review status: criteria provided, single submitter. Criteria: GeneDx Variant Classification Process June 2021. Collection method: clinical testing. Allele origin: germline. Affected: yes.

Illumina Laboratory Services, Illumina
Classification: Benign for Imerslund-Grasbeck syndrome type 1. Last evaluated: 2018-01-12. Review status: criteria provided, single submitter. Criteria: ICSL Variant Classification Criteria 13 December 2019. Collection method: clinical testing. Allele origin: germline.
Comment: This variant was observed in the ICSL laboratory as part of a predisposition screen in an ostensibly healthy population. It had not been previously curated by ICSL or reported in the Human Gene Mutation Database (HGMD: prior to June 1st, 2018), and was therefore a candidate for classification through an automated scoring system. Utilizing variant allele frequency, disease prevalence and penetrance estimates, and inheritance mode, an automated score was calculated to assess if this variant is too frequent to cause the disease. Based on the score and internal cut-off values, a variant classified as benign is not then subjected to further curation. The score for this variant resulted in a classification of benign for this disease.

Breakthrough Genomics
Classification: Benign. Review status: criteria provided, single submitter. Criteria: ACMG Guidelines, 2015. Collection method: not provided. Allele origin: germline. Inheritance: Autosomal recessive inheritance. Affected: yes.